The following is an entry in ClinVar:

ClinVar aggregate classification (germline): Uncertain significance. Review status: criteria provided, multiple submitters, no conflicts (2 of 4 stars). 2 submissions from 2 submitters: Uncertain significance (2). Last evaluated 2025-08-30.

Conditions:
Cardiomyopathy (CMYO). Also called: Cardiomyopathies. Identifiers: Orphanet 167848, MedGen C0878544, MONDO:0004994, HP:0001638. Inheritance: Various modes of inheritance.

gnomAD v4.1: 1 of 1,555,080 alleles (0.000064%); highest among the groups gnomAD compares: Non-Finnish European, 0.000087%; no homozygotes.

Submissions (2):

Color Diagnostics, LLC DBA Color Health
Classification: Uncertain significance for Cardiomyopathy. Last evaluated: 2025-08-30. Review status: criteria provided, single submitter. Criteria: ACMG Guidelines, 2015. Collection method: clinical testing. Allele origin: germline.
Comment: This missense variant replaces aspartic acid with asparagine at codon 555 of the LMNA protein. Computational prediction suggests that this variant may not impact protein structure and function. To our knowledge, functional studies have not been reported for this variant. This variant has not been reported in individuals affected with LMNA-related disorders in the literature. This variant has not been identified in the general population by the Genome Aggregation Database (gnomAD). The available evidence is insufficient to determine the role of this variant in disease conclusively. Therefore, this variant is classified as a Variant of Uncertain Significance.

Blueprint Genetics
Classification: Uncertain significance. Last evaluated: 2023-03-30. Review status: criteria provided, single submitter. Criteria: ACMG Guidelines, 2015. Collection method: clinical testing. Allele origin: germline.

NM_170707.4(LMNA):c.1663G>A (p.Asp555Asn)

Gene: LMNA (lamin A/C; plus strand). Cytogenetic location: 1q22.
Variant type: single nucleotide variant.
Coding change: c.1663G>A on transcript NM_170707.4 (MANE Select); coding-DNA position 1663, G replaced by A.
Protein change: p.Asp555Asn; replaces aspartic acid 555 with asparagine.
Molecular consequence: missense variant. On other transcripts: intron variant (1).
Genome position (GRCh38, 1-based): chr1:156,137,708, G>A. VCF-style: chr1-156137708-G-A. GRCh37 (hg19) VCF-style: chr1-156107499-G-A.
Other names: c.1663G>A, p.Asp555Asn (NM_001282626.2, NM_001406983.1, NM_001282625.2 and 5 more transcripts); c.1420G>A, p.Asp474Asn (NM_001282624.2, NM_001406986.1, NM_001406987.1); c.1327G>A, p.Asp443Asn (NM_001257374.3, NM_001406989.1, NM_001406998.1); c.1366G>A, p.Asp456Asn (NM_001406988.1); c.1105G>A, p.Asp369Asn (NM_001406990.1, NM_001406993.1, NM_001406995.1 and 4 more transcripts); c.1039G>A, p.Asp347Asn (NM_001406994.1, NM_001406999.1, NM_001407000.1 and 1 more transcripts); c.1608+476G>A (NM_170708.4); short protein forms D347N, D369N, D443N, D456N, D474N, D555N.
Identifiers: ClinVar variation 4757948 (VCV004757948.2).